The following is an entry in ClinVar:

NM_014915.3(ANKRD26):c.245C>T (p.Thr82Met)

Gene: ANKRD26 (ankyrin repeat domain 26; minus strand). Cytogenetic location: 10p12.1.
Variant type: single nucleotide variant.
Coding change: c.245C>T on transcript NM_014915.3 (MANE Select); coding-DNA position 245, C replaced by T.
Protein change: p.Thr82Met; replaces threonine 82 with methionine.
Molecular consequence: missense variant.
Genome position (GRCh38, 1-based): chr10:27,093,797, G>A on the plus strand (C>T on the coding strand, the complement: ANKRD26 is on the minus strand). VCF-style: chr10-27093797-G-A. GRCh37 (hg19) VCF-style: chr10-27382726-G-A.
Other names: p.Thr82Met; c.245C>T, p.Thr82Met (NM_001256053.2); short protein forms T82M.
Identifiers: ClinVar variation 2169412 (VCV002169412.7), dbSNP rs373943537, ClinGen allele CA5449003.

ClinVar aggregate classification (germline): Uncertain significance. Review status: criteria provided, multiple submitters, no conflicts (2 of 4 stars). 4 submissions from 4 submitters: Uncertain significance (3). 1 of the submissions does not count toward it. Last evaluated 2025-12-22.

Conditions:
Thrombocytopenia 2 (THC2). Also called: ANKRD26-Related Thrombocytopenia. Identifiers: Orphanet 268322, MedGen C1861185, MONDO:0008555, OMIM 188000.

Allele frequency attached by ClinVar (database versions not stated): gnomAD 0.00001; TOPMed 0.00001; gnomAD exomes 0.00002; ExAC 0.00004; ESP Exome Variant Server 0.00008.
gnomAD v4.1: 38 of 1,611,848 alleles (0.0024%); highest among the groups gnomAD compares: South Asian, 0.012%; no homozygotes.

Submissions (4):

Labcorp Genetics (formerly Invitae), Labcorp
Classification: Uncertain significance. Last evaluated: 2025-12-22. Review status: criteria provided, single submitter. Criteria: Invitae Variant Classification Sherloc (09022015). Collection method: clinical testing. Allele origin: germline.
Comment: This sequence change replaces threonine, which is neutral and polar, with methionine, which is neutral and non-polar, at codon 82 of the ANKRD26 protein (p.Thr82Met). This variant is present in population databases (rs373943537, gnomAD 0.07%). This variant has not been reported in the literature in individuals affected with ANKRD26-related conditions. ClinVar contains an entry for this variant (Variation ID: 2169412). An algorithm developed to predict the effect of missense changes on protein structure and function (PolyPhen-2) suggests that this variant is likely to be disruptive. In summary, the available evidence is currently insufficient to determine the role of this variant in disease. Therefore, it has been classified as a Variant of Uncertain Significance.

Mayo Clinic Laboratories, Mayo Clinic
Classification: Uncertain significance. Last evaluated: 2024-05-28. Review status: criteria provided, single submitter. Criteria: ACMG Guidelines, 2015. Collection method: clinical testing. Allele origin: germline. Observed: 4 variant alleles.

GeneDx
Classification: Uncertain significance. Last evaluated: 2023-10-10. Review status: criteria provided, single submitter. Criteria: GeneDx Variant Classification Process June 2021. Collection method: clinical testing. Allele origin: germline. Affected: yes.
Comment: In silico analysis supports that this missense variant has a deleterious effect on protein structure/function; Has not been previously published as pathogenic or benign to our knowledge

Zotz-Klimas Genetics Lab, MVZ Zotz Klimas
Classification: Uncertain significance for Thrombocytopenia 2. Last evaluated: 2023-11-02. Review status: no assertion criteria provided. Collection method: clinical testing. Allele origin: germline. Affected: yes. Not counted in ClinVar's aggregate classification.